The following is an entry in ClinVar:

NM_002292.4(LAMB2):c.614G>A (p.Arg205His)

Gene: LAMB2 (laminin subunit beta 2; minus strand). Cytogenetic location: 3p21.31.
Variant type: single nucleotide variant.
Coding change: c.614G>A on transcript NM_002292.4 (MANE Select); coding-DNA position 614, G replaced by A.
Protein change: p.Arg205His; replaces arginine 205 with histidine.
Molecular consequence: missense variant.
Genome position (GRCh38, 1-based): chr3:49,131,569, C>T on the plus strand (G>A on the coding strand, the complement: LAMB2 is on the minus strand). VCF-style: chr3-49131569-C-T. GRCh37 (hg19) VCF-style: chr3-49169002-C-T.
Other names: c.614G>A (NM_002292.3); short protein forms R205H.
Identifiers: ClinVar variation 3758605 (VCV003758605.3).

ClinVar aggregate classification (germline): Uncertain significance. Review status: criteria provided, multiple submitters, no conflicts (2 of 4 stars). 2 submissions from 2 submitters: Uncertain significance (2). Last evaluated 2025-08-12.

Conditions:
Pierson syndrome. Also called: MICROCORIA-CONGENITAL NEPHROTIC SYNDROME. Identifiers: Orphanet 2670, MedGen C1836876, MONDO:0012184, OMIM 609049.
LAMB2-related infantile-onset nephrotic syndrome. Also called: NEPHROTIC SYNDROME, TYPE 5, WITHOUT OCULAR ABNORMALITIES; NEPHROTIC SYNDROME, TYPE 5, WITH OCULAR ABNORMALITIES; Nephrotic Syndrome, type 5. Identifiers: Orphanet 306507, MedGen C3280113, MONDO:0013621, OMIM 614199.
Inborn genetic diseases. Identifiers: MedGen C0950123, MeSH D030342.

gnomAD v4.1: 27 of 1,613,798 alleles (0.0017%); highest among the groups gnomAD compares: South Asian, 0.024%; no homozygotes.

Submissions (2):

Ambry Genetics
Classification: Uncertain significance for Inborn genetic diseases. Last evaluated: 2025-08-12. Review status: criteria provided, single submitter. Criteria: Ambry Variant Classification Scheme 2023. Collection method: clinical testing. Allele origin: germline.

Labcorp Genetics (formerly Invitae), Labcorp
Classification: Uncertain significance for LAMB2-related infantile-onset nephrotic syndrome; Pierson syndrome. Last evaluated: 2024-10-01. Review status: criteria provided, single submitter. Criteria: Invitae Variant Classification Sherloc (09022015). Collection method: clinical testing. Allele origin: germline.
Comment: This sequence change replaces arginine, which is basic and polar, with histidine, which is basic and polar, at codon 205 of the LAMB2 protein (p.Arg205His). This variant is present in population databases (rs539804907, gnomAD 0.03%). This variant has not been reported in the literature in individuals affected with LAMB2-related conditions. An algorithm developed to predict the effect of missense changes on protein structure and function (PolyPhen-2) suggests that this variant is likely to be disruptive. In summary, the available evidence is currently insufficient to determine the role of this variant in disease. Therefore, it has been classified as a Variant of Uncertain Significance.